The following is an entry in ClinVar:

ClinVar aggregate classification (germline): Likely benign. Review status: criteria provided, multiple submitters, no conflicts (2 of 4 stars). 3 submissions from 3 submitters: Likely benign (2). 1 of the submissions does not count toward it. Last evaluated 2025-12-16.

Conditions:
T-B+ severe combined immunodeficiency due to JAK3 deficiency. Also called: SCID, T CELL-NEGATIVE, B CELL-POSITIVE, NK CELL-NEGATIVE; SCID, autosomal recessive, T-negative/B-positive type. Identifiers: Orphanet 35078, MedGen C1833275, MONDO:0010938, OMIM 600802.
JAK3-related disorder. Also called: JAK3-related condition.

Allele frequency attached by ClinVar (database versions not stated): gnomAD exomes 0.00001; ExAC 0.00002.
gnomAD v4.1: 21 of 1,610,952 alleles (0.0013%); highest among the groups gnomAD compares: Non-Finnish European, 0.0015%; no homozygotes.

Submissions (3):

Labcorp Genetics (formerly Invitae), Labcorp
Classification: Likely benign for T-B+ severe combined immunodeficiency due to JAK3 deficiency. Last evaluated: 2025-12-16. Review status: criteria provided, single submitter. Criteria: Invitae Variant Classification Sherloc (09022015). Collection method: clinical testing. Allele origin: germline.

Blueprint Genetics
Classification: Likely benign. Last evaluated: 2024-05-14. Review status: criteria provided, single submitter. Criteria: ACMG Guidelines, 2015. Collection method: clinical testing. Allele origin: germline.

PreventionGenetics, part of Exact Sciences
Classification: Likely benign for JAK3-related condition. Last evaluated: 2019-03-18. Review status: no assertion criteria provided. Collection method: clinical testing. Allele origin: germline. Not counted in ClinVar's aggregate classification.
Comment: This variant is classified as likely benign based on ACMG/AMP sequence variant interpretation guidelines (Richards et al. 2015 PMID: 25741868, with internal and published modifications).

NM_000215.4(JAK3):c.2978+9C>A

Gene: JAK3 (Janus kinase 3; minus strand). Cytogenetic location: 19p13.11.
Variant type: single nucleotide variant.
Coding change: c.2978+9C>A on transcript NM_000215.4 (MANE Select); 9 bases into the intron after coding-DNA position 2978, C replaced by A.
Molecular consequence: intron variant.
Genome position (GRCh38, 1-based): chr19:17,831,219, G>T on the plus strand (C>A on the coding strand, the complement: JAK3 is on the minus strand). VCF-style: chr19-17831219-G-T. GRCh37 (hg19) VCF-style: chr19-17942028-G-T.
Other names: c.2978+9C>A (NM_000215.3).
Identifiers: ClinVar variation 1634460 (VCV001634460.11), dbSNP rs750682558, ClinGen allele CA9301472.